The following is an entry in ClinVar:

NM_003982.4(SLC7A7):c.894+103A>G

Gene: SLC7A7 (solute carrier family 7 member 7; minus strand). Cytogenetic location: 14q11.2.
Variant type: single nucleotide variant.
Coding change: c.894+103A>G on transcript NM_003982.4 (MANE Select); 103 bases into the intron after coding-DNA position 894, A replaced by G.
Molecular consequence: intron variant.
Genome position (GRCh38, 1-based): chr14:22,776,092, T>C on the plus strand (A>G on the coding strand, the complement: SLC7A7 is on the minus strand). VCF-style: chr14-22776092-T-C. GRCh37 (hg19) VCF-style: chr14-23245301-T-C.
Other names: c.894+103A>G (NM_001126106.4, NM_001126105.3).
Identifiers: ClinVar variation 1292095 (VCV001292095.5), dbSNP rs3850290, ClinGen allele CA13974316.

ClinVar aggregate classification (germline): Benign. Review status: criteria provided, multiple submitters, no conflicts (2 of 4 stars). 3 submissions from 3 submitters: Benign (3). Last evaluated 2024-01-24.

Allele frequency attached by ClinVar (database versions not stated): TOPMed 0.54321; gnomAD 0.54790; 1000 Genomes Project 30x 0.55356; 1000 Genomes Project 0.56390.
gnomAD v4.1: 977,121 of 1,523,346 alleles (64%); highest among the groups gnomAD compares: East Asian, 82%; 322,387 homozygotes.

Submissions (3):

Unidad de Genómica Garrahan, Hospital de Pediatría Garrahan
Classification: Benign. Last evaluated: 2024-01-24. Review status: criteria provided, single submitter. Criteria: ACMG Guidelines, 2015. Collection method: clinical testing. Allele origin: germline. Affected: no. Observed: 73 variant alleles.
Comment: This variant is classified as Benign based on local population frequency. This variant was detected in 77% of patients studied by a panel of primary immunodeficiencies. Number of patients: 73. Only high quality variants are reported.

GeneDx
Classification: Benign. Last evaluated: 2018-06-23. Review status: criteria provided, single submitter. Criteria: GeneDx Variant Classification Process June 2021. Collection method: clinical testing. Allele origin: germline. Affected: yes.

Breakthrough Genomics
Classification: Benign. Review status: criteria provided, single submitter. Criteria: ACMG Guidelines, 2015. Collection method: not provided. Allele origin: germline. Inheritance: Autosomal recessive inheritance. Affected: yes.